The following is an entry in ClinVar:

NM_006846.4(SPINK5):c.2313+48G>A

Gene: SPINK5 (serine peptidase inhibitor Kazal type 5; plus strand). Cytogenetic location: 5q32.
Variant type: single nucleotide variant.
Coding change: c.2313+48G>A on transcript NM_006846.4 (MANE Select); 48 bases into the intron after coding-DNA position 2313, G replaced by A.
Molecular consequence: intron variant.
Genome position (GRCh38, 1-based): chr5:148,119,106, G>A. VCF-style: chr5-148119106-G-A. GRCh37 (hg19) VCF-style: chr5-147498669-G-A.
Other names: c.2313+48G>A (NM_001127698.2, NM_001127699.2).
Identifiers: ClinVar variation 1246343 (VCV001246343.6), dbSNP rs9325074, ClinGen allele CA3495951.

ClinVar aggregate classification (germline): Benign. Review status: criteria provided, multiple submitters, no conflicts (2 of 4 stars). 3 submissions from 3 submitters: Benign (3). Last evaluated 2024-01-24.

Conditions:
Netherton syndrome (NETH). Also called: NETHERTON DISEASE; COMEL-NETHERTON SYNDROME; ERYTHRODERMA, ICHTHYOSIFORM, WITH HYPOTRICHOSIS AND HYPER-IgE. Identifiers: Orphanet 634, MedGen C5574950, MONDO:0009735, OMIM 256500.

Allele frequency attached by ClinVar (database versions not stated): gnomAD exomes 0.76720 and 0.80505; ESP Exome Variant Server 0.77286; gnomAD 0.79044 and 0.79486; TOPMed 0.79741; ExAC 0.80048; 1000 Genomes Project 0.83786; 1000 Genomes Project 30x 0.83979.
gnomAD v4.1: 1,204,889 of 1,564,962 alleles (77%); highest among the groups gnomAD compares: East Asian, 91%; 465,817 homozygotes.

Submissions (3):

Unidad de Genómica Garrahan, Hospital de Pediatría Garrahan
Classification: Benign. Last evaluated: 2024-01-24. Review status: criteria provided, single submitter. Criteria: ACMG Guidelines, 2015. Collection method: clinical testing. Allele origin: germline. Affected: no. Observed: 85 variant alleles.
Comment: This variant is classified as Benign based on local population frequency. This variant was detected in 97% of patients studied by a panel of primary immunodeficiencies. Number of patients: 85. Only high quality variants are reported.

Genome-Nilou Lab
Classification: Benign for Netherton syndrome. Last evaluated: 2021-07-15. Review status: criteria provided, single submitter. Criteria: ACMG Guidelines, 2015. Collection method: clinical testing. Allele origin: germline. Affected: no.

GeneDx
Classification: Benign. Last evaluated: 2015-03-03. Review status: criteria provided, single submitter. Criteria: GeneDx Variant Classification Process June 2021. Collection method: clinical testing. Allele origin: germline. Affected: yes.